The following is an entry in ClinVar:

NM_000925.4(PDHB):c.310T>G (p.Leu104Val)

Gene: PDHB (pyruvate dehydrogenase E1 subunit beta; minus strand). Cytogenetic location: 3p14.3.
Variant type: single nucleotide variant.
Coding change: c.310T>G on transcript NM_000925.4 (MANE Select); coding-DNA position 310, T replaced by G.
Protein change: p.Leu104Val; replaces leucine 104 with valine.
Molecular consequence: missense variant. On other transcripts: non-coding transcript variant (1).
Genome position (GRCh38, 1-based): chr3:58,430,936, A>C on the plus strand (T>G on the coding strand, the complement: PDHB is on the minus strand). VCF-style: chr3-58430936-A-C. GRCh37 (hg19) VCF-style: chr3-58416663-A-C.
Other names: NC_000003.11:g.58416663A>C; c.310T>G, p.Leu104Val (NM_001173468.2); c.256T>G, p.Leu86Val (NM_001315536.2); short protein forms L104V, L86V.
Identifiers: ClinVar variation 978596 (VCV000978596.4), dbSNP rs201199166, ClinGen allele CA2471575.

ClinVar aggregate classification (germline): Likely pathogenic. Review status: criteria provided, single submitter (1 of 4 stars). 2 submissions from 2 submitters: Likely pathogenic (1). 1 of the submissions does not count toward it. Last evaluated 2023-10-09.

Conditions:
Pyruvate dehydrogenase E1-beta deficiency (PDHBD). Identifiers: Orphanet 255138, Orphanet 765, MedGen C3279841, MONDO:0013580, OMIM 614111.

Allele frequency attached by ClinVar (database versions not stated): ExAC 0.00512.

Submissions (9):

Women's Health and Genetics/Laboratory Corporation of America, LabCorp
Classification: Likely pathogenic for Pyruvate dehydrogenase E1-beta deficiency. Last evaluated: 2023-10-09. Review status: criteria provided, single submitter. Criteria: LabCorp Variant Classification Summary - May 2015. Collection method: clinical testing. Allele origin: germline.
Comment: Variant summary: PDHB c.310T>G (p.Leu104Val) results in a conservative amino acid change located in the Transketolase-like, pyrimidine-binding domain (IPR005475) of the encoded protein sequence. Four of five in-silico tools predict a damaging effect of the variant on protein function. The variant allele was found at a frequency of 0.0014 in 245124 control chromosomes, however the quality metrics indicate frequency data for this variant in the population is unreliable in the gnomAD dataabase. c.310T>G has been reported in the literature in two homozygous prenatal cases affected with Pyruvate Dehydrogenase Complex Deficiency (example: Imbard_2011 and Pirot_2016) with no other mutations in the PDHA1 and PDHX genes. These data indicate that the variant is likely to be associated with disease. To our knowledge, no experimental evidence demonstrating an impact on protein function has been reported. The following publications have been ascertained in the context of this evaluation (PMID: 21914562, 26865159). No submitter has cited clinical-significance assessments for this variant to ClinVar after 2014. Based on the evidence outlined above, the variant was classified as likely pathogenic.

OMIM
Classification: Pathogenic for PYRUVATE DEHYDROGENASE E1-BETA DEFICIENCY. Last evaluated: 2020-09-25. Review status: no assertion criteria provided. Collection method: literature only. Allele origin: germline. Not counted in ClinVar's aggregate classification.

Dr. Peter K. Rogan Lab, Western University
No classification provided (evidence only). Condition: Lung cancer. Review status: no classification provided. Collection method: in vitro. Allele origin: not applicable. Functional consequence: skipped exon, retained intron. Not counted in ClinVar's aggregate classification.

Dr. Peter K. Rogan Lab, Western University
No classification provided (evidence only). Condition: Familial cancer of breast. Review status: no classification provided. Collection method: in vitro. Allele origin: not applicable. Functional consequence: skipped exon. Not counted in ClinVar's aggregate classification.

Dr. Peter K. Rogan Lab, Western University
No classification provided (evidence only). Condition: Acute myeloid leukemia. Review status: no classification provided. Collection method: in vitro. Allele origin: not applicable. Functional consequence: skipped exon. Not counted in ClinVar's aggregate classification.

Dr. Peter K. Rogan Lab, Western University
No classification provided (evidence only). Condition: Acute myeloid leukemia. Review status: no classification provided. Collection method: in vitro. Allele origin: not applicable. Functional consequence: retained intron. Not counted in ClinVar's aggregate classification.

Dr. Peter K. Rogan Lab, Western University
No classification provided (evidence only). Condition: Thyroid cancer, nonmedullary, 1. Review status: no classification provided. Collection method: in vitro. Allele origin: not applicable. Functional consequence: skipped exon. Not counted in ClinVar's aggregate classification.

Dr. Peter K. Rogan Lab, Western University
No classification provided (evidence only). Condition: Uterine corpus endometrial carcinoma. Review status: no classification provided. Collection method: in vitro. Allele origin: not applicable. Functional consequence: retained intron. Not counted in ClinVar's aggregate classification.

Dr. Peter K. Rogan Lab, Western University
No classification provided (evidence only). Condition: Uterine corpus endometrial carcinoma. Review status: no classification provided. Collection method: in vitro. Allele origin: not applicable. Functional consequence: retained intron. Not counted in ClinVar's aggregate classification.

Literature cited by the submitters: PubMed 21914562 (cited by Women's Health and Genetics/Laboratory Corporation of America, LabCorp); PubMed 26865159 (cited by Women's Health and Genetics/Laboratory Corporation of America, LabCorp and OMIM).